The following is an entry in ClinVar:

NM_000548.5(TSC2):c.976-9G>A

Gene: TSC2 (TSC complex subunit 2; plus strand). Cytogenetic location: 16p13.3.
Variant type: single nucleotide variant.
Coding change: c.976-9G>A on transcript NM_000548.5 (MANE Select); 9 bases into the intron before coding-DNA position 976, G replaced by A.
Molecular consequence: intron variant.
Genome position (GRCh38, 1-based): chr16:2,060,661, G>A. VCF-style: chr16-2060661-G-A. GRCh37 (hg19) VCF-style: chr16-2110662-G-A.
Other names: c.976-9G>A (NM_001114382.3, NM_021055.3, NM_001370405.1 and 3 more transcripts); c.865-9G>A (NM_001318827.2); c.376-9G>A (NM_001318831.2); c.829-9G>A (NM_001318829.2); c.1009-9G>A (NM_001318832.2).
Identifiers: ClinVar variation 468195 (VCV000468195.14), dbSNP rs367613848, ClinGen allele CA276776556.
Genomic context (GRCh38, chr16:2,060,661, plus strand): 5'-TGACTGGGAGGGCGTCCCACAGCAAGCAAGCAGCTCTGACCCTGTGTGCTGGCCGGGCTC[G>A]TGTTCCAGGCCATGGCATGTCCGAACGAGGTGGTGTCCTATGAGATCGTCCTGTCCATCA-3'

ClinVar aggregate classification (germline): Conflicting classifications of pathogenicity. Review status: criteria provided, conflicting classifications (1 of 4 stars). 3 submissions from 3 submitters: Uncertain significance (1); Likely benign (2). Last evaluated 2025-07-31.

Conditions:
Tuberous sclerosis 2 (TSC2). Identifiers: Orphanet 805, MedGen C1860707, MONDO:0013199, OMIM 613254.
Hereditary cancer-predisposing syndrome. Also called: Hereditary neoplastic syndrome; Neoplastic Syndromes, Hereditary; Tumor predisposition; Hereditary Cancer Syndrome. Identifiers: Orphanet 140162, MedGen C0027672, MeSH D009386, MONDO:0015356.

Allele frequency attached by ClinVar (database versions not stated): gnomAD exomes below 0.00001; gnomAD 0.00001; TOPMed 0.00001.
gnomAD v4.1: 12 of 1,613,858 alleles (0.00074%); highest among the groups gnomAD compares: Admixed American, 0.0033%; no homozygotes.

Submissions (3):

Labcorp Genetics (formerly Invitae), Labcorp
Classification: Likely benign for Tuberous sclerosis 2. Last evaluated: 2025-07-31. Review status: criteria provided, single submitter. Criteria: Invitae Variant Classification Sherloc (09022015). Collection method: clinical testing. Allele origin: germline.

Myriad Genetics, Inc.
Classification: Likely benign for Tuberous sclerosis 2. Last evaluated: 2025-05-13. Review status: criteria provided, single submitter. Criteria: Myriad Autosomal Dominant, Autosomal Recessive and X-Linked Classification Criteria (2023). Collection method: clinical testing. Allele origin: unknown.
Comment: This variant is considered likely benign. This variant is intronic and is not expected to impact mRNA splicing.

Sema4
Classification: Uncertain significance for Hereditary cancer-predisposing syndrome. Last evaluated: 2021-11-06. Review status: criteria provided, single submitter. Criteria: Sema4 Curation Guidelines. Collection method: curation. Allele origin: germline.
Comment: The TSC2 c.976-9G>A variant has not been reported in the literature to our knowledge. It was observed in 1/34592 chromosomes of the Latino subpopulation in the large and broad cohorts of the Genome Aggregation Database (PMID: 32461654). The variant has been reported in ClinVar (Variation ID 468195). In silico tools suggest no impact on splicing, though these predictions have not been confirmed by functional studies. The evidence is insufficient to meet ACMG/AMP criteria for classifying the variant as benign or pathogenic. Thus, the clinical significance of this variant is currently uncertain.